The following is an entry in ClinVar:

ClinVar aggregate classification (germline): Pathogenic (1 of 4 stars; one submission).

Conditions:
Kabuki syndrome 1 (KABUK1). Also called: KMT2D-Related Kabuki Syndrome. Identifiers: Orphanet 2322, MedGen CN030661, MONDO:0007843, OMIM 147920.

Submission:

Laboratory of Medical Genetics, National & Kapodistrian University of Athens
Classification: Pathogenic for Kabuki syndrome 1. Last evaluated: 2024-05-21. Review status: criteria provided, single submitter. Criteria: ACMG Guidelines, 2015. Collection method: clinical testing. Allele origin: de novo. Affected: yes.
Comment: PVS1, PS2, PM2 - In silico prediction tools estimated that the variant could be damaging for the protein function/stracture. The variant was detected de novo (paternity confirmed).

NM_003482.4(KMT2D):c.15784+1_15784+2delinsAA

Gene: KMT2D (lysine methyltransferase 2D; minus strand). Cytogenetic location: 12q13.12.
Variant type: Indel.
Coding change: c.15784+1_15784+2delinsAA on transcript NM_003482.4 (MANE Select); the canonical splice donor site of the intron after coding-DNA position 15784, GT replaced by AA.
Molecular consequence: splice donor variant.
Genome position (GRCh38, 1-based): chr12:49,026,180-49,026,181, AC replaced by TT on the plus strand (GT replaced by AA on the coding strand, the reverse complement: KMT2D is on the minus strand). VCF-style: chr12-49026180-AC-TT. GRCh37 (hg19) VCF-style: chr12-49419963-AC-TT.
Identifiers: ClinVar variation 3256596 (VCV003256596.1).